The following is an entry in ClinVar:

NM_018052.5(VAC14):c.1096+1G>C

Gene: VAC14 (VAC14 component of PIKFYVE complex; minus strand). Cytogenetic location: 16q22.1.
Variant type: single nucleotide variant.
Coding change: c.1096+1G>C on transcript NM_018052.5 (MANE Select); the canonical splice donor site of the intron after coding-DNA position 1096, G replaced by C.
Molecular consequence: splice donor variant.
Genome position (GRCh38, 1-based): chr16:70,780,789, C>G on the plus strand (G>C on the coding strand, the complement: VAC14 is on the minus strand). VCF-style: chr16-70780789-C-G. GRCh37 (hg19) VCF-style: chr16-70814692-C-G.
Other names: c.394+1G>C (NM_001351157.2).
Identifiers: ClinVar variation 3709120 (VCV003709120.2).

ClinVar aggregate classification (germline): Pathogenic (1 of 4 stars; one submission).

gnomAD v4.1: 1 of 1,594,692 alleles (0.000063%); highest among the groups gnomAD compares: Non-Finnish European, 0.000086%; no homozygotes.

Submission:

Labcorp Genetics (formerly Invitae), Labcorp
Classification: Pathogenic. Last evaluated: 2024-02-28. Review status: criteria provided, single submitter. Criteria: Invitae Variant Classification Sherloc (09022015). Collection method: clinical testing. Allele origin: germline.
Comment: This sequence change affects a donor splice site in intron 9 of the VAC14 gene. It is expected to disrupt RNA splicing. Variants that disrupt the donor or acceptor splice site typically lead to a loss of protein function (PMID: 16199547), and loss-of-function variants in VAC14 are known to be pathogenic (PMID: 17956977, 28635952). This variant is not present in population databases (gnomAD no frequency). Disruption of this splice site has been observed in individual(s) with VAC14-related conditions (PMID: 29296614). It has also been observed to segregate with disease in related individuals. Algorithms developed to predict the effect of sequence changes on RNA splicing suggest that this variant may disrupt the consensus splice site. For these reasons, this variant has been classified as Pathogenic.

Literature cited by the submitters: PubMed 16199547; PubMed 17956977; PubMed 28635952; PubMed 29296614.